The following is an entry in ClinVar:

NM_004208.4(AIFM1):c.107-177G>A

Genes: AIFM1 (apoptosis inducing factor mitochondria associated 1; minus strand), RAB33A (RAB33A, member RAS oncogene family; plus strand). Cytogenetic location: Xq26.1.
Variant type: single nucleotide variant.
Coding change: c.107-177G>A on transcript NM_004208.4 (MANE Select); 177 bases into the intron before coding-DNA position 107, G replaced by A.
Molecular consequence: intron variant.
Genome position (GRCh38, 1-based): chrX:130,156,780, C>T on the plus strand (G>A on the coding strand, the complement: AIFM1 is on the minus strand). VCF-style: chrX-130156780-C-T. GRCh37 (hg19) VCF-style: chrX-129290754-C-T.
Other names: c.107-1494G>A (NM_145812.3); c.107-177G>A (NM_001130847.4).
Identifiers: ClinVar variation 680035 (VCV000680035.2), dbSNP rs5977215, ClinGen allele CA335126588.

ClinVar aggregate classification (germline): Benign. Review status: criteria provided, multiple submitters, no conflicts (2 of 4 stars). 2 submissions from 2 submitters: Benign (2). Last evaluated 2018-06-14.

Allele frequency attached by ClinVar (database versions not stated): 1000 Genomes Project 0.06834; 1000 Genomes Project 30x 0.06909; TOPMed 0.11062; gnomAD 0.12214 and 0.12487.
gnomAD v4.1: 13,755 of 111,671 alleles (12%); highest among the groups gnomAD compares: Non-Finnish European, 17%; 851 homozygotes.

Submissions (2):

GeneDx
Classification: Benign. Last evaluated: 2018-06-14. Review status: criteria provided, single submitter. Criteria: GeneDx Variant Classification (06012015). Collection method: clinical testing. Allele origin: germline. Affected: yes.
Comment: This variant is considered likely benign or benign based on one or more of the following criteria: it is a conservative change, it occurs at a poorly conserved position in the protein, it is predicted to be benign by multiple in silico algorithms, and/or has population frequency not consistent with disease.

Breakthrough Genomics
Classification: Benign. Review status: criteria provided, single submitter. Criteria: ACMG Guidelines, 2015. Collection method: not provided. Allele origin: germline. Inheritance: X-linked inheritance. Affected: yes.